The following is an entry in ClinVar:

NM_000263.4(NAGLU):c.1737AAG[1] (p.Arg580del)

Gene: NAGLU (N-acetyl-alpha-glucosaminidase; plus strand). Cytogenetic location: 17q21.2.
Variant type: Microsatellite.
Coding change: c.1737AAG[1] on transcript NM_000263.4 (MANE Select); one copy of the 3-base unit AAG starting at c.1737; the reference has two copies in a row; one copy, 3 bases deleted.
Protein change: p.Arg580del; deletes arginine 580.
Molecular consequence: inframe deletion.
Genome position (GRCh38, 1-based): chr17:42,543,746-42,543,748, AAG deleted; deleting any 3 consecutive bases within chr17:42,543,743-42,543,748 gives the same sequence; the position shown is the placement nearest the transcript's 3' end. VCF-style (leftmost placement, unchanged base first): chr17-42543742-CAAG-C. GRCh37 (hg19) VCF-style: chr17-40695760-CAAG-C.
Other names: short protein forms R580del.
Identifiers: ClinVar variation 2131502 (VCV002131502.4), dbSNP rs2510660229, ClinGen allele CA2580613139.
Genomic context (GRCh38, chr17:42,543,742, plus strand): 5'-ACCTGCTGGACCTCACTCGGCAGGCAGTGCAGGAGCTGGTCAGCTTGTACTATGAGGAGG[CAAG>C]AAGCGCCTACCTGAGCAAGGAGCTGGCCTCCCTGTTGAGGGCTGGAGGCGTCCTGGCCTA-3'

ClinVar aggregate classification (germline): Uncertain significance (1 of 4 stars; one submission).

Conditions:
Charcot-Marie-Tooth disease axonal type 2V. Also called: CHARCOT-MARIE-TOOTH NEUROPATHY, TYPE 2V; CHARCOT-MARIE-TOOTH DISEASE, AXONAL, AUTOSOMAL DOMINANT, TYPE 2V. Identifiers: Orphanet 447964, MedGen C5569050, MONDO:0014665, OMIM 616491.
Mucopolysaccharidosis, MPS-III-B (MPS3B). Also called: N-ACETYL-ALPHA-D-GLUCOSAMINIDASE DEFICIENCY; NAGLU DEFICIENCY; SANFILIPPO SYNDROME B; MPS III B; MUCOPOLYSACCHARIDOSIS, TYPE IIIB; MPS IIIB (Sanfilippo Syndrome Type B). Identifiers: Orphanet 79270, MedGen C0086648, MONDO:0009656, OMIM 252920.

Submission:

Labcorp Genetics (formerly Invitae), Labcorp
Classification: Uncertain significance for Charcot-Marie-Tooth disease axonal type 2V; Mucopolysaccharidosis, MPS-III-B. Last evaluated: 2022-08-12. Review status: criteria provided, single submitter. Criteria: Invitae Variant Classification Sherloc (09022015). Collection method: clinical testing. Allele origin: germline.
Comment: In summary, the available evidence is currently insufficient to determine the role of this variant in disease. Therefore, it has been classified as a Variant of Uncertain Significance. Experimental studies and prediction algorithms are not available or were not evaluated, and the functional significance of this variant is currently unknown. This variant has not been reported in the literature in individuals affected with NAGLU-related conditions. This variant is not present in population databases (gnomAD no frequency). This variant, c.1740_1742del, results in the deletion of 1 amino acid(s) of the NAGLU protein (p.Arg580del), but otherwise preserves the integrity of the reading frame.